The following is an entry in ClinVar:

NM_001364905.1(LRBA):c.6897T>A (p.Phe2299Leu)

Gene: LRBA (LPS responsive beige-like anchor protein; minus strand). Cytogenetic location: 4q31.3.
Variant type: single nucleotide variant.
Coding change: c.6897T>A on transcript NM_001364905.1 (MANE Select); coding-DNA position 6897, T replaced by A.
Protein change: p.Phe2299Leu; replaces phenylalanine 2299 with leucine.
Molecular consequence: missense variant.
Genome position (GRCh38, 1-based): chr4:150,436,748, A>T on the plus strand (T>A on the coding strand, the complement: LRBA is on the minus strand). VCF-style: chr4-150436748-A-T. GRCh37 (hg19) VCF-style: chr4-151357900-A-T.
Other names: c.6897T>A, p.Phe2299Leu (NM_001199282.3, NM_001367550.1); c.6930T>A, p.Phe2310Leu (NM_006726.5); short protein forms F2310L, F2299L.
Identifiers: ClinVar variation 2129771 (VCV002129771.3), dbSNP rs2546337985, ClinGen allele CA358600316.

ClinVar aggregate classification (germline): Uncertain significance (1 of 4 stars; one submission).

Conditions:
Combined immunodeficiency due to LRBA deficiency. Also called: Common variable immunodeficiency 8, with autoimmunity. Identifiers: Orphanet 445018, MedGen C3553512, MONDO:0013863, OMIM 614700.

Submission:

Labcorp Genetics (formerly Invitae), Labcorp
Classification: Uncertain significance for Combined immunodeficiency due to LRBA deficiency. Last evaluated: 2022-04-23. Review status: criteria provided, single submitter. Criteria: Invitae Variant Classification Sherloc (09022015). Collection method: clinical testing. Allele origin: germline.
Comment: This variant has not been reported in the literature in individuals affected with LRBA-related conditions. In summary, the available evidence is currently insufficient to determine the role of this variant in disease. Therefore, it has been classified as a Variant of Uncertain Significance. Algorithms developed to predict the effect of missense changes on protein structure and function are either unavailable or do not agree on the potential impact of this missense change (SIFT: "Tolerated"; PolyPhen-2: "Probably Damaging"; Align-GVGD: "Class C0"). This variant is not present in population databases (gnomAD no frequency). This sequence change replaces phenylalanine, which is neutral and non-polar, with leucine, which is neutral and non-polar, at codon 2310 of the LRBA protein (p.Phe2310Leu).